The following is an entry in ClinVar:

ClinVar aggregate classification (germline): Uncertain significance. Review status: criteria provided, multiple submitters, no conflicts (2 of 4 stars). 3 submissions from 3 submitters: Uncertain significance (3). Last evaluated 2024-10-12.

Conditions:
Hereditary cancer-predisposing syndrome. Also called: Neoplastic Syndromes, Hereditary; Tumor predisposition; Hereditary Cancer Syndrome; Hereditary neoplastic syndrome. Identifiers: Orphanet 140162, MedGen C0027672, MeSH D009386, MONDO:0015356.
Fanconi anemia complementation group J. Also called: BRIP1-Related Fanconi Anemia. Identifiers: Orphanet 84, MedGen C1836860, MONDO:0012187, OMIM 609054.
Familial cancer of breast. Also called: Hereditary breast cancer; BREAST CANCER, FAMILIAL; hereditary breast carcinoma. Identifiers: Orphanet 227535, MedGen C0346153, MONDO:0016419, OMIM 114480. Disease mechanism: loss of function.

Allele frequency attached by ClinVar (database versions not stated): ExAC 0.00002; gnomAD exomes 0.00002; ESP Exome Variant Server 0.00008.
gnomAD v4.1: 10 of 1,613,616 alleles (0.00062%); highest among the groups gnomAD compares: South Asian, 0.011%; no homozygotes.

Submissions (3):

Ambry Genetics
Classification: Uncertain significance for Hereditary cancer-predisposing syndrome. Last evaluated: 2024-10-12. Review status: criteria provided, single submitter. Criteria: Ambry Variant Classification Scheme 2023. Collection method: clinical testing. Allele origin: germline.
Comment: The p.T221S variant (also known as c.662C>G), located in coding exon 6 of the BRIP1 gene, results from a C to G substitution at nucleotide position 662. The threonine at codon 221 is replaced by serine, an amino acid with similar properties. This amino acid position is not well conserved in available vertebrate species. In addition, this alteration is predicted to be tolerated by in silico analysis. Since supporting evidence is limited at this time, the clinical significance of this alteration remains unclear.

Color Diagnostics, LLC DBA Color Health
Classification: Uncertain significance for Hereditary cancer-predisposing syndrome. Last evaluated: 2023-12-05. Review status: criteria provided, single submitter. Criteria: ACMG Guidelines, 2015. Collection method: clinical testing. Allele origin: germline.
Comment: This missense variant replaces threonine with serine at codon 221 of the BRIP1 protein. Computational prediction suggests that this variant may not impact protein structure and function (internally defined REVEL score threshold <= 0.5, PMID: 27666373). To our knowledge, functional studies have not been reported for this variant. This variant has not been reported in individuals affected with BRIP1-related disorders in the literature. This variant has been identified in 6/250668 chromosomes in the general population by the Genome Aggregation Database (gnomAD). The available evidence is insufficient to determine the role of this variant in disease conclusively. Therefore, this variant is classified as a Variant of Uncertain Significance.

Labcorp Genetics (formerly Invitae), Labcorp
Classification: Uncertain significance for Familial cancer of breast; Fanconi anemia complementation group J. Last evaluated: 2022-09-29. Review status: criteria provided, single submitter. Criteria: Invitae Variant Classification Sherloc (09022015). Collection method: clinical testing. Allele origin: germline.
Comment: This sequence change replaces threonine, which is neutral and polar, with serine, which is neutral and polar, at codon 221 of the BRIP1 protein (p.Thr221Ser). This variant is present in population databases (rs373774920, gnomAD 0.02%). This variant has not been reported in the literature in individuals affected with BRIP1-related conditions. ClinVar contains an entry for this variant (Variation ID: 567055). Advanced modeling of protein sequence and biophysical properties (such as structural, functional, and spatial information, amino acid conservation, physicochemical variation, residue mobility, and thermodynamic stability) performed at Invitae indicates that this missense variant is not expected to disrupt BRIP1 protein function. RNA analysis performed to evaluate the impact of this missense change on mRNA splicing indicates it does not significantly alter splicing (Invitae). In summary, the available evidence is currently insufficient to determine the role of this variant in disease. Therefore, it has been classified as a Variant of Uncertain Significance.

NM_032043.3(BRIP1):c.662C>G (p.Thr221Ser)

Gene: BRIP1 (BRCA1 interacting DNA helicase 1; minus strand). Cytogenetic location: 17q23.2.
Variant type: single nucleotide variant.
Coding change: c.662C>G on transcript NM_032043.3 (MANE Select); coding-DNA position 662, C replaced by G.
Protein change: p.Thr221Ser; replaces threonine 221 with serine.
Molecular consequence: missense variant.
Genome position (GRCh38, 1-based): chr17:61,808,723, G>C on the plus strand (C>G on the coding strand, the complement: BRIP1 is on the minus strand). VCF-style: chr17-61808723-G-C. GRCh37 (hg19) VCF-style: chr17-59886084-G-C.
Other names: short protein forms T221S.
Identifiers: ClinVar variation 567055 (VCV000567055.18), dbSNP rs373774920, ClinGen allele CA8690864.